The following is an entry in ClinVar:

ClinVar aggregate classification (germline): Likely pathogenic. Review status: criteria provided, single submitter (1 of 4 stars). 2 submissions from 2 submitters: Likely pathogenic (1). 1 of the submissions does not count toward it. Last evaluated 2026-01-30.

Conditions:
Retinal disorder. Also called: Retinal disorders; Retinopathy; Retinopathies; Retinal Diseases. Identifiers: MedGen C0035309, MONDO:0005283, HP:0000488.

Submissions (2):

Genetics Laboratory, Great Ormond Street Hospital NHS Foundation Trust, North Thames Genomic Laboratory Hub
Classification: Likely pathogenic for Retinal disorders. Last evaluated: 2026-01-30. Review status: criteria provided, single submitter. Criteria: ACGS Best Practice Guidelines for Variant Classification in Rare Disease 2024 v1.2. Collection method: clinical testing. Allele origin: germline. Affected: yes.
Comment: PS4_moderate, PM2_moderate, PP3_supporting, PM5_moderate

Retina International
No classification provided. Review status: no classification provided. Collection method: not provided. Allele origin: unknown. Not counted in ClinVar's aggregate classification.

NM_000330.4(RS1):c.436G>A (p.Glu146Lys)

Genes: CDKL5 (cyclin dependent kinase like 5; plus strand), RS1 (retinoschisin 1; minus strand). Cytogenetic location: Xp22.13.
Variant type: single nucleotide variant.
Coding change: c.436G>A on transcript NM_000330.4 (MANE Select); coding-DNA position 436, G replaced by A.
Protein change: p.Glu146Lys; replaces glutamic acid 146 with lysine.
Molecular consequence: missense variant. On other transcripts: intron variant (2).
Genome position (GRCh38, 1-based): chrX:18,644,516, C>T on the plus strand (G>A on the coding strand, the complement: RS1 is on the minus strand). VCF-style: chrX-18644516-C-T. GRCh37 (hg19) VCF-style: chrX-18662636-C-T.
Other names: c.2714-1491C>T (NM_003159.3, NM_001037343.2); short protein forms E146K.
Identifiers: ClinVar variation 98965 (VCV000098965.3), dbSNP rs61753162, ClinGen allele CA226740.